The following is an entry in ClinVar:

NM_144670.6(A2ML1):c.2029-276C>G

Gene: A2ML1 (alpha-2-macroglobulin like 1; plus strand). Cytogenetic location: 12p13.31.
Variant type: single nucleotide variant.
Coding change: c.2029-276C>G on transcript NM_144670.6 (MANE Select); 276 bases into the intron before coding-DNA position 2029, C replaced by G.
Molecular consequence: intron variant.
Genome position (GRCh38, 1-based): chr12:8,849,393, C>G. VCF-style: chr12-8849393-C-G. GRCh37 (hg19) VCF-style: chr12-9001989-C-G.
Other names: c.556-276C>G (NM_001282424.3).
Identifiers: ClinVar variation 561887 (VCV000561887.1), dbSNP rs11047578, ClinGen allele CA13613193.

ClinVar aggregate classification (germline): Benign (1 of 4 stars; one submission).

Allele frequency attached by ClinVar (database versions not stated): 1000 Genomes Project 0.15535; 1000 Genomes Project 30x 0.16365; TOPMed 0.20621.
gnomAD v4.1: 30,985 of 152,078 alleles (20%); highest among the groups gnomAD compares: African/African-American, 35%; 3,986 homozygotes.

Submission:

GeneDx
Classification: Benign. Last evaluated: 2018-06-14. Review status: criteria provided, single submitter. Criteria: GeneDx Variant Classification (06012015). Collection method: clinical testing. Allele origin: germline. Affected: yes.
Comment: This variant is considered likely benign or benign based on one or more of the following criteria: it is a conservative change, it occurs at a poorly conserved position in the protein, it is predicted to be benign by multiple in silico algorithms, and/or has population frequency not consistent with disease.